The following is an entry in ClinVar:

ClinVar aggregate classification (germline): Uncertain significance. Review status: criteria provided, multiple submitters, no conflicts (2 of 4 stars). 3 submissions from 3 submitters: Uncertain significance (3). Last evaluated 2025-12-11.

Conditions:
Epileptic encephalopathy. Identifiers: MedGen C0543888, HP:0200134.

Allele frequency attached by ClinVar (database versions not stated): gnomAD exomes 0.00002 and 0.00005; ExAC 0.00006; gnomAD 0.00002 and 0.00001; TOPMed 0.00005.
gnomAD v4.1: 28 of 1,613,696 alleles (0.0017%); highest among the groups gnomAD compares: Admixed American, 0.032%; no homozygotes.

Submissions (3):

Ambry Genetics
Classification: Uncertain significance. Last evaluated: 2025-12-11. Review status: criteria provided, single submitter. Criteria: Ambry Variant Classification Scheme 2023. Collection method: clinical testing. Allele origin: germline.

Dasa
Classification: Uncertain significance. Last evaluated: 2025-11-27. Review status: criteria provided, single submitter. Criteria: DASA Assertion Criteria. Collection method: clinical testing. Allele origin: germline.
Comment: NM_001036.6(RYR3):c.3819T>G (p.His1273Gln) is a missense variant that results in the substitution of histidine with glutamine. This variant is rare in population databases. Computational prediction algorithms are consistent with a deleterious effect. The currently available literature and clinical evidence are not sufficient to establish a definitive association between this variant and the reported condition. Therefore, this variant is classified as a variant of uncertain significance.

Labcorp Genetics (formerly Invitae), Labcorp
Classification: Uncertain significance for Epileptic encephalopathy. Last evaluated: 2022-10-24. Review status: criteria provided, single submitter. Criteria: Invitae Variant Classification Sherloc (09022015). Collection method: clinical testing. Allele origin: germline.
Comment: In summary, the available evidence is currently insufficient to determine the role of this variant in disease. Therefore, it has been classified as a Variant of Uncertain Significance. Algorithms developed to predict the effect of missense changes on protein structure and function are either unavailable or do not agree on the potential impact of this missense change (SIFT: "Deleterious"; PolyPhen-2: "Benign"; Align-GVGD: "Class C15"). ClinVar contains an entry for this variant (Variation ID: 848403). This variant has not been reported in the literature in individuals affected with RYR3-related conditions. This variant is present in population databases (rs766607821, gnomAD 0.03%). This sequence change replaces histidine, which is basic and polar, with glutamine, which is neutral and polar, at codon 1273 of the RYR3 protein (p.His1273Gln).

NM_001036.6(RYR3):c.3819T>G (p.His1273Gln)

Gene: RYR3 (ryanodine receptor 3; plus strand). Cytogenetic location: 15q14.
Variant type: single nucleotide variant.
Coding change: c.3819T>G on transcript NM_001036.6 (MANE Select); coding-DNA position 3819, T replaced by G.
Protein change: p.His1273Gln; replaces histidine 1273 with glutamine.
Molecular consequence: missense variant.
Genome position (GRCh38, 1-based): chr15:33,646,404, T>G. VCF-style: chr15-33646404-T-G. GRCh37 (hg19) VCF-style: chr15-33938605-T-G.
Other names: c.3819T>G, p.His1273Gln (NM_001243996.4); c.3819T>G (NM_001036.3); short protein forms H1273Q.
Identifiers: ClinVar variation 848403 (VCV000848403.12), dbSNP rs766607821, ClinGen allele CA7458798.